The following is an entry in ClinVar:

NM_001853.4(COL9A3):c.368C>G (p.Pro123Arg)

Gene: COL9A3 (collagen type IX alpha 3 chain; plus strand). Cytogenetic location: 20q13.33.
Variant type: single nucleotide variant.
Coding change: c.368C>G on transcript NM_001853.4 (MANE Select); coding-DNA position 368, C replaced by G.
Protein change: p.Pro123Arg; replaces proline 123 with arginine.
Molecular consequence: missense variant.
Genome position (GRCh38, 1-based): chr20:62,821,529, C>G. VCF-style: chr20-62821529-C-G. GRCh37 (hg19) VCF-style: chr20-61452881-C-G.
Other names: c.368C>G (NM_001853.3); short protein forms P123R.
Identifiers: ClinVar variation 1465298 (VCV001465298.9), dbSNP rs756661628, ClinGen allele CA9949201.
Genomic context (GRCh38, chr20:62,821,529, plus strand): 5'-GTGCCTGGCAGGCTCTGACCCCATGTTTGGCTTTGCAGGGCAAAGGCCTCCCTGGACCCC[C>G]CGTGAGTACTGACAACCCTTGGGGCCCTGAGCAAGCACGCAAGTCCCGAGAGCCTGCCAG-3'
Protein context (NP_001844.3, residues 113-133): GLGGKGLPGP[Pro123Arg]GEAGVSGPPG

ClinVar aggregate classification (germline): Conflicting classifications of pathogenicity. Review status: criteria provided, conflicting classifications (1 of 4 stars). 4 submissions from 4 submitters: Uncertain significance (3); Likely benign (1). Last evaluated 2025-09-25.

Conditions:
Inborn genetic diseases. Identifiers: MedGen C0950123, MeSH D030342.

Allele frequency attached by ClinVar (database versions not stated): TOPMed 0.00003.
gnomAD v4.1: 101 of 1,612,730 alleles (0.0063%); highest among the groups gnomAD compares: Non-Finnish European, 0.0081%; no homozygotes.

Submissions (4):

Labcorp Genetics (formerly Invitae), Labcorp
Classification: Uncertain significance. Last evaluated: 2025-09-25. Review status: criteria provided, single submitter. Criteria: Invitae Variant Classification Sherloc (09022015). Collection method: clinical testing. Allele origin: germline.
Comment: This sequence change replaces proline, which is neutral and non-polar, with arginine, which is basic and polar, at codon 123 of the COL9A3 protein (p.Pro123Arg). This variant is present in population databases (rs756661628, gnomAD 0.009%). This variant has not been reported in the literature in individuals affected with COL9A3-related conditions. ClinVar contains an entry for this variant (Variation ID: 1465298). Experimental studies and prediction algorithms are not available or were not evaluated, and the functional significance of this variant is currently unknown. In summary, the available evidence is currently insufficient to determine the role of this variant in disease. Therefore, it has been classified as a Variant of Uncertain Significance.

GeneDx
Classification: Uncertain significance. Last evaluated: 2022-10-19. Review status: criteria provided, single submitter. Criteria: GeneDx Variant Classification Process June 2021. Collection method: clinical testing. Allele origin: germline. Affected: yes.
Comment: Has not been previously published as pathogenic or benign to our knowledge; In silico analysis supports that this missense variant does not alter protein structure/function

Ambry Genetics
Classification: Uncertain significance for Inborn genetic diseases. Last evaluated: 2022-01-10. Review status: criteria provided, single submitter. Criteria: Ambry Variant Classification Scheme 2023. Collection method: clinical testing. Allele origin: germline.

Blueprint Genetics
Classification: Likely benign. Last evaluated: 2021-01-12. Review status: criteria provided, single submitter. Criteria: ACMG Guidelines, 2015. Collection method: clinical testing. Allele origin: germline.